The following is an entry in ClinVar:

NM_001009944.3(PKD1):c.439del (p.Val147fs)

Gene: PKD1 (polycystin 1, transient receptor potential channel interacting; minus strand). Cytogenetic location: 16p13.3.
Variant type: Deletion.
Coding change: c.439del on transcript NM_001009944.3 (MANE Select); coding-DNA position 439, one base deleted (G; older notation c.439delG).
Protein change: p.Val147fs; shifts the reading frame from valine 147.
Molecular consequence: frameshift variant.
Genome position (GRCh38, 1-based): chr16:2,118,766, C deleted on the plus strand (G on the coding strand, the reverse complement: PKD1 is on the minus strand); the first of 3 consecutive C bases (chr16:2,118,766-2,118,768); deleting any one gives the same sequence. VCF-style (leftmost placement, unchanged base first): chr16-2118765-AC-A. GRCh37 (hg19) VCF-style: chr16-2168766-AC-A.
Other names: c.439del, p.Val147fs (NM_000296.4); short protein forms V147fs.
Identifiers: ClinVar variation 3382858 (VCV003382858.2).
Genomic context (GRCh38, chr16:2,118,765, plus strand): 5'-AGCAGAGGCTGGCCAGCCAGGGAGCCAGGCCCAGCACACGTGGCTGCCTCGGGCTGCACC[AC>A]CCGCACCTGCTGCTCCTCCGCCCATCGCGGCAGCCACGCCAGGCCACAGTCACACTCAAA-3'

ClinVar aggregate classification (germline): Pathogenic (1 of 4 stars; one submission).

Conditions:
Polycystic kidney disease, adult type (PKD1). Also called: POLYCYSTIC KIDNEY DISEASE, ADULT, TYPE I; Polycystic Kidney Disease 1, Autosomal Dominant; Polycystic kidney disease 1; Polycystic kidney disease 1, severe; Polycystic Kidney, Autosomal Dominant; POLYCYSTIC KIDNEY DISEASE 1 WITH OR WITHOUT POLYCYSTIC LIVER DISEASE. Identifiers: MedGen C3149841, MONDO:0008263, OMIM 173900.

Submission:

Juno Genomics, Hangzhou Juno Genomics, Inc
Classification: Pathogenic for Polycystic kidney disease, adult type. Review status: criteria provided, single submitter. Criteria: ACMG Guidelines, 2015. Collection method: clinical testing. Allele origin: germline. Affected: yes.
Comment: Absent from controls (or at extremely low frequency if recessive) in Genome Aggregation Database, Exome Sequencing Project, 1000 Genomes Project, or Exome Aggregation Consortium.;Patient's phenotype or family history is highly specific for a disease with a single genetic etiology.;Null variant in a gene where loss of function (LOF) is a known mechanism of disease.;The prevalence of the variant in affected individuals is significantly increased compared to the prevalence in controls.